The following is an entry in ClinVar:

ClinVar aggregate classification (germline): Pathogenic (1 of 4 stars; one submission).

Conditions:
Neuromuscular disease caused by qualitative or quantitative defects of dysferlin. Also called: Dysferlinopathy; Qualitative or quantitative defects of dysferlin. Identifiers: Orphanet 207073, MedGen C2931687, MONDO:0016145.

Submission:

Labcorp Genetics (formerly Invitae), Labcorp
Classification: Pathogenic for Neuromuscular disease caused by qualitative or quantitative defects of dysferlin. Last evaluated: 2023-11-20. Review status: criteria provided, single submitter. Criteria: Invitae Variant Classification Sherloc (09022015). Collection method: clinical testing. Allele origin: germline.
Comment: This sequence change creates a premature translational stop signal (p.Ala811Profs*27) in the DYSF gene. It is expected to result in an absent or disrupted protein product. Loss-of-function variants in DYSF are known to be pathogenic (PMID: 17698709, 20301480). This variant is not present in population databases (gnomAD no frequency). This variant has not been reported in the literature in individuals affected with DYSF-related conditions. For these reasons, this variant has been classified as Pathogenic.

Literature cited by the submitters: PubMed 17698709; PubMed 20301480.

NM_001130987.2(DYSF):c.2483_2484dup (p.Ala829fs)

Gene: DYSF (dysferlin; plus strand). Cytogenetic location: 2p13.2.
Variant type: Duplication.
Coding change: c.2483_2484dup on transcript NM_001130987.2 (MANE Select); coding-DNA positions 2483 to 2484, 2 bases duplicated (CC; older notation c.2483_2484dupCC).
Protein change: p.Ala829fs; shifts the reading frame from alanine 829.
Molecular consequence: frameshift variant.
Genome position (GRCh38, 1-based): chr2:71,564,131-71,564,132, CC duplicated; duplicating any 2 consecutive bases within chr2:71,564,130-71,564,132 gives the same sequence; the c. name uses the placement nearest the transcript's 3' end. VCF-style (leftmost placement, unchanged base first): chr2-71564129-G-GCC. GRCh37 (hg19) VCF-style: chr2-71791259-G-GCC.
Other names: c.2429_2430dup, p.Ala811fs (NM_003494.4, NM_001130978.2); c.2480_2481dup, p.Ala828fs (NM_001130980.2, NM_001130981.2); c.2525_2526dup, p.Ala843fs (NM_001130982.2); c.2432_2433dup, p.Ala812fs (NM_001130983.2, NM_001130455.2); c.2390_2391dup, p.Ala798fs (NM_001130984.2, NM_001130986.2); c.2483_2484dup, p.Ala829fs (NM_001130985.2); c.2387_2388dup, p.Ala797fs (NM_001130976.2, NM_001130977.2); c.2522_2523dup, p.Ala842fs (NM_001130979.2); short protein forms A798fs, A811fs, A842fs, A829fs, A843fs, A812fs, A828fs, A797fs.
Identifiers: ClinVar variation 2697712 (VCV002697712.3), dbSNP rs2545769842, ClinGen allele CA2697548242.